The following is an entry in ClinVar:

ClinVar aggregate classification (germline): Uncertain significance. Review status: criteria provided, multiple submitters, no conflicts (2 of 4 stars). 2 submissions from 2 submitters: Uncertain significance (2). Last evaluated 2020-06-09.

Conditions:
Microcephaly 13, primary, autosomal recessive. Identifiers: Orphanet 808, MedGen C4015080, MONDO:0014473, OMIM 616051.

Allele frequency attached by ClinVar (database versions not stated): TOPMed 0.00014; 1000 Genomes Project 30x 0.00047; 1000 Genomes Project 0.00060.
gnomAD v4.1: 67 of 1,614,056 alleles (0.0042%); highest among the groups gnomAD compares: African/African-American, 0.076%; no homozygotes.

Submissions (2):

Baylor Genetics
Classification: Uncertain significance for Microcephaly 13, primary, autosomal recessive. Last evaluated: 2020-06-09. Review status: criteria provided, single submitter. Criteria: ACMG Guidelines, 2015. Collection method: clinical testing. Allele origin: unknown. Affected: yes.
Comment: This variant was determined to be of uncertain significance according to ACMG Guidelines, 2015 [PMID:25741868].

Breakthrough Genomics
Classification: Uncertain significance. Review status: criteria provided, single submitter. Criteria: ACMG Guidelines, 2015. Collection method: not provided. Allele origin: germline. Inheritance: Autosomal recessive inheritance. Affected: yes.

NM_001813.3(CENPE):c.5035G>A (p.Glu1679Lys)

Gene: CENPE (centromere protein E; minus strand). Cytogenetic location: 4q24.
Variant type: single nucleotide variant.
Coding change: c.5035G>A on transcript NM_001813.3 (MANE Select); coding-DNA position 5035, G replaced by A.
Protein change: p.Glu1679Lys; replaces glutamic acid 1679 with lysine.
Molecular consequence: missense variant.
Genome position (GRCh38, 1-based): chr4:103,144,441, C>T on the plus strand (G>A on the coding strand, the complement: CENPE is on the minus strand). VCF-style: chr4-103144441-C-T. GRCh37 (hg19) VCF-style: chr4-104065598-C-T.
Other names: c.4960G>A, p.Glu1654Lys (NM_001286734.2); short protein forms E1679K, E1654K.
Identifiers: ClinVar variation 1030481 (VCV001030481.2), dbSNP rs114399328, ClinGen allele CA3029699.